The following is an entry in ClinVar:

ClinVar aggregate classification (germline): Uncertain significance. Review status: criteria provided, multiple submitters, no conflicts (2 of 4 stars). 2 submissions from 2 submitters: Uncertain significance (2). Last evaluated 2025-01-05.

Conditions:
Hereditary cancer-predisposing syndrome. Also called: Tumor predisposition; Hereditary neoplastic syndrome; Neoplastic Syndromes, Hereditary; Hereditary Cancer Syndrome. Identifiers: Orphanet 140162, MedGen C0027672, MeSH D009386, MONDO:0015356.
Familial adenomatous polyposis 1 (FAP1). Also called: FAMILIAL ADENOMATOUS POLYPOSIS 1, ATTENUATED; POLYPOSIS, ADENOMATOUS INTESTINAL. Identifiers: MedGen C2713442, MONDO:0021056, OMIM 175100. Disease mechanism: loss of function.

Submissions (2):

Labcorp Genetics (formerly Invitae), Labcorp
Classification: Uncertain significance for Familial adenomatous polyposis 1. Last evaluated: 2025-01-05. Review status: criteria provided, single submitter. Criteria: Invitae Variant Classification Sherloc (09022015). Collection method: clinical testing. Allele origin: germline.
Comment: This sequence change replaces arginine, which is basic and polar, with lysine, which is basic and polar, at codon 850 of the APC protein (p.Arg850Lys). This variant is not present in population databases (gnomAD no frequency). This variant has not been reported in the literature in individuals affected with APC-related conditions. ClinVar contains an entry for this variant (Variation ID: 857594). Invitae Evidence Modeling of protein sequence and biophysical properties (such as structural, functional, and spatial information, amino acid conservation, physicochemical variation, residue mobility, and thermodynamic stability) indicates that this missense variant is not expected to disrupt APC protein function with a negative predictive value of 95%. In summary, the available evidence is currently insufficient to determine the role of this variant in disease. Therefore, it has been classified as a Variant of Uncertain Significance.

Ambry Genetics
Classification: Uncertain significance for Hereditary cancer-predisposing syndrome. Last evaluated: 2020-07-22. Review status: criteria provided, single submitter. Criteria: Ambry Variant Classification Scheme 2023. Collection method: clinical testing. Allele origin: germline.
Comment: The p.R850K variant (also known as c.2549G>A), located in coding exon 15 of the APC gene, results from a G to A substitution at nucleotide position 2549. The arginine at codon 850 is replaced by lysine, an amino acid with highly similar properties. This amino acid position is well conserved in available vertebrate species. In addition, in silico predictors for this gene do not accurately predict pathogenicity. Since supporting evidence is limited at this time, the clinical significance of this alteration remains unclear.

NM_000038.6(APC):c.2549G>A (p.Arg850Lys)

Gene: APC (APC regulator of Wnt signaling pathway; plus strand). Cytogenetic location: 5q22.2.
Variant type: single nucleotide variant.
Coding change: c.2549G>A on transcript NM_000038.6 (MANE Select); coding-DNA position 2549, G replaced by A.
Protein change: p.Arg850Lys; replaces arginine 850 with lysine.
Molecular consequence: missense variant.
Genome position (GRCh38, 1-based): chr5:112,838,143, G>A. VCF-style: chr5-112838143-G-A. GRCh37 (hg19) VCF-style: chr5-112173840-G-A.
Other names: c.2549G>A, p.Arg850Lys (NM_001127510.3, NM_001354895.2); c.2495G>A, p.Arg832Lys (NM_001127511.3); c.2603G>A, p.Arg868Lys (NM_001354896.2); c.2579G>A, p.Arg860Lys (NM_001354897.2); c.2474G>A, p.Arg825Lys (NM_001354898.2); c.2465G>A, p.Arg822Lys (NM_001354899.2); c.2426G>A, p.Arg809Lys (NM_001354900.2); c.2372G>A, p.Arg791Lys (NM_001354901.2); and 5 more; short protein forms R759K, R822K, R567K, R832K, R860K, R868K, R690K, R724K.
Identifiers: ClinVar variation 857594 (VCV000857594.13), dbSNP rs1765208653, ClinGen allele CA16026915.